The following is an entry in ClinVar:

NM_182914.3(SYNE2):c.16924T>G (p.Ser5642Ala)

Gene: SYNE2 (spectrin repeat containing nuclear envelope protein 2; plus strand). Cytogenetic location: 14q23.2.
Variant type: single nucleotide variant.
Coding change: c.16924T>G on transcript NM_182914.3 (MANE Select); coding-DNA position 16924, T replaced by G.
Protein change: p.Ser5642Ala; replaces serine 5642 with alanine.
Molecular consequence: missense variant.
Genome position (GRCh38, 1-based): chr14:64,168,895, T>G. VCF-style: chr14-64168895-T-G. GRCh37 (hg19) VCF-style: chr14-64635613-T-G.
Other names: c.16924T>G, p.Ser5642Ala (NM_015180.6); short protein forms S5642A.
Identifiers: ClinVar variation 936047 (VCV000936047.34), dbSNP rs145661639, ClinGen allele CA7223543.
Genomic context (GRCh38, chr14:64,168,895, plus strand): 5'-GAATTTTACTAGCTGATATTTTCTGCTTGGACTCATATACAGATGTTAGAAGCTGAAGTT[T>G]CTATAAACCAGACAATTGCTGATTCCTATGTCACCCAGTCCTTACAACTCCTGGACACAA-3'
Protein context (NP_878918.2, residues 5632-5652): KTYKMLEAEV[Ser5642Ala]INQTIADSYV

ClinVar aggregate classification (germline): Uncertain significance. Review status: criteria provided, multiple submitters, no conflicts (2 of 4 stars). 3 submissions from 3 submitters: Uncertain significance (3). Last evaluated 2024-06-30.

Conditions:
Emery-Dreifuss muscular dystrophy 5, autosomal dominant (EDMD5). Also called: EMERY-DREIFUSS MUSCULAR DYSTROPHY 5. Identifiers: Orphanet 261, MedGen C2751805, MONDO:0013072, OMIM 612999.

Allele frequency attached by ClinVar (database versions not stated): 1000 Genomes Project 30x 0.00016.
gnomAD v4.1: 16 of 1,613,976 alleles (0.00099%); highest among the groups gnomAD compares: African/African-American, 0.013%; 1 homozygote.

Submissions (3):

Labcorp Genetics (formerly Invitae), Labcorp
Classification: Uncertain significance for Emery-Dreifuss muscular dystrophy 5, autosomal dominant. Last evaluated: 2024-06-30. Review status: criteria provided, single submitter. Criteria: Invitae Variant Classification Sherloc (09022015). Collection method: clinical testing. Allele origin: germline.
Comment: This sequence change replaces serine, which is neutral and polar, with alanine, which is neutral and non-polar, at codon 5642 of the SYNE2 protein (p.Ser5642Ala). This variant is present in population databases (rs145661639, gnomAD 0.007%). This variant has not been reported in the literature in individuals affected with SYNE2-related conditions. ClinVar contains an entry for this variant (Variation ID: 936047). An algorithm developed to predict the effect of missense changes on protein structure and function (PolyPhen-2) suggests that this variant is likely to be disruptive. In summary, the available evidence is currently insufficient to determine the role of this variant in disease. Therefore, it has been classified as a Variant of Uncertain Significance.

CeGaT Center for Human Genetics Tuebingen
Classification: Uncertain significance. Last evaluated: 2022-08-01. Review status: criteria provided, single submitter. Criteria: CeGaT Center For Human Genetics Tuebingen Variant Classification Criteria Version 2. Collection method: clinical testing. Allele origin: germline. Affected: yes. Observed: 1 variant allele.
Comment: SYNE2: PM2, BP4

Ambry Genetics
Classification: Uncertain significance. Last evaluated: 2021-07-13. Review status: criteria provided, single submitter. Criteria: Ambry Variant Classification Scheme 2023. Collection method: clinical testing. Allele origin: germline.